The following is an entry in ClinVar:

ClinVar aggregate classification (germline): Uncertain significance (1 of 4 stars; one submission).

Conditions:
Dilated cardiomyopathy 1DD (CMD1DD). Identifiers: Orphanet 154, MedGen C2750995, MONDO:0013168, OMIM 613172.

Submission:

Labcorp Genetics (formerly Invitae), Labcorp
Classification: Uncertain significance for Dilated cardiomyopathy 1DD. Last evaluated: 2025-09-18. Review status: criteria provided, single submitter. Criteria: Invitae Variant Classification Sherloc (09022015). Collection method: clinical testing. Allele origin: germline.
Comment: This variant, c.3592_3612dup, results in the insertion of 7 amino acid(s) of the RBM20 protein (p.Ala1198_Glu1204dup), but otherwise preserves the integrity of the reading frame. This variant is not present in population databases (gnomAD no frequency). This variant has not been reported in the literature in individuals affected with RBM20-related conditions. ClinVar contains an entry for this variant (Variation ID: 1355411). Experimental studies and prediction algorithms are not available or were not evaluated, and the functional significance of this variant is currently unknown. In summary, the available evidence is currently insufficient to determine the role of this variant in disease. Therefore, it has been classified as a Variant of Uncertain Significance.

NM_001134363.3(RBM20):c.3592_3612dup (p.Ala1198_Glu1204dup)

Gene: RBM20 (RNA binding motif protein 20; plus strand). Cytogenetic location: 10q25.2.
Variant type: Duplication.
Coding change: c.3592_3612dup on transcript NM_001134363.3 (MANE Select); coding-DNA positions 3592 to 3612, 21 bases duplicated (GCCGAGGAGGGCCTCAAGGAG).
Protein change: p.Ala1198_Glu1204dup.
Molecular consequence: inframe insertion.
Genome position (GRCh38, 1-based): chr10:110,835,886-110,835,906, GCCGAGGAGGGCCTCAAGGAG duplicated; duplicating any 21 consecutive bases within chr10:110,835,885-110,835,906 gives the same sequence; the c. name uses the placement nearest the transcript's 3' end. VCF-style (leftmost placement, unchanged base first): chr10-110835884-T-TGGCCGAGGAGGGCCTCAAGGA. GRCh37 (hg19) VCF-style: chr10-112595642-T-TGGCCGAGGAGGGCCTCAAGGA.
Identifiers: ClinVar variation 1355411 (VCV001355411.6), dbSNP rs2135147884, ClinGen allele CA2573145505.